The following is an entry in ClinVar:

NM_080425.4(GNAS):c.1293C>T (p.Ser431=)

Gene: GNAS (GNAS complex locus; plus strand). Cytogenetic location: 20q13.32.
Variant type: single nucleotide variant.
Coding change: c.1293C>T on transcript NM_080425.4 (MANE Plus Clinical); coding-DNA position 1293, C replaced by T.
Protein change: p.Ser431=; no amino-acid change (serine 431 retained).
Molecular consequence: synonymous variant. On other transcripts: missense variant (2), intron variant (3).
Genome position (GRCh38, 1-based): chr20:58,854,558, C>T. VCF-style: chr20-58854558-C-T. GRCh37 (hg19) VCF-style: chr20-57429613-C-T.
Other names: c.1106C>T, p.Pro369Leu (NM_001077490.3, NM_001309883.1); c.1293C>T, p.Ser431= (NM_001410913.1); c.*42+13672C>T (NM_016592.5); c.43+13672C>T (NM_001410912.1); c.-39+12683C>T (NM_001309861.2); short protein forms P369L.
Identifiers: ClinVar variation 4994495 (VCV004994495.1).

ClinVar aggregate classification (germline): Uncertain significance (1 of 4 stars; one submission).

Conditions:
GNAS-related disorder. Identifiers: MedGen CN380105.

gnomAD v4.1: 4 of 1,565,680 alleles (0.00026%); highest among the groups gnomAD compares: Admixed American, 0.0018%; no homozygotes.

Submission:

PreventionGenetics, part of Exact Sciences
Classification: Uncertain significance for GNAS-related condition. Last evaluated: 2026-01-29. Review status: criteria provided, single submitter. Criteria: ACMG Guidelines, 2015. Collection method: clinical testing. Allele origin: germline.
Comment: The GNAS c.1293C>T variant is not predicted to result in an amino acid change (p.=). In the primary transcript (NM_000516.5), this variant is found in the pre-coding region (c.-37169C>T). To our knowledge, this variant has not been reported in the literature or in a large population database (gnomAD), indicating this variant is rare. At this time, the clinical significance of this variant is uncertain due to the absence of conclusive functional and genetic evidence.